The following is an entry in ClinVar:

ClinVar aggregate classification (germline): Pathogenic/Likely pathogenic. Review status: criteria provided, multiple submitters, no conflicts (2 of 4 stars). 4 submissions from 4 submitters: Pathogenic (3); Likely pathogenic (1). Last evaluated 2026-09-08.

Conditions:
Fabry disease. Also called: GLA DEFICIENCY; HEREDITARY DYSTOPIC LIPIDOSIS; Fabry's disease; ALPHA-GALACTOSIDASE A DEFICIENCY; ANDERSON-FABRY DISEASE; CERAMIDE TRIHEXOSIDASE DEFICIENCY. Identifiers: Orphanet 324, MedGen C0002986, MONDO:0010526, OMIM 301500, HP:0001071. Disease mechanism: Fabry disease is due to inactivating mutations in the X-linked GLA gene resulting in deficiency of the enzyme Alpha Galactosidase-A., loss of function.

Submissions (4):

Genomenon, Inc
Classification: Likely pathogenic for Fabry disease. Last evaluated: 2026-09-08. Review status: criteria provided, single submitter. Criteria: Genomenon Sequence Variant Interpretation Standards - Updated. Collection method: curation. Allele origin: germline. Affected: yes.
Comment: GLA p.Gly361Arg (c.1081G>A) is a missense variant that changes the amino acid at codon 361 from Glycine to Arginine. This variant has been observed in at least one proband with clinical features consistent with Fabry disease (PMID:8395937;11322659). At least one functional study has demonstrated a substantial alteration in protein function relative to the wild-type (PMID:27657681). It is absent or not present at a significant frequency in gnomAD. In silico models predict that this variant is possibly or probably damaging. In conclusion, we classify GLA p.Gly361Arg (c.1081G>A) as a likely pathogenic variant.

Labcorp Genetics (formerly Invitae), Labcorp
Classification: Pathogenic for Fabry disease. Last evaluated: 2025-12-31. Review status: criteria provided, single submitter. Criteria: Invitae Variant Classification Sherloc (09022015). Collection method: clinical testing. Allele origin: germline.
Comment: This sequence change replaces glycine, which is neutral and non-polar, with arginine, which is basic and polar, at codon 361 of the GLA protein (p.Gly361Arg). This variant is not present in population databases (gnomAD no frequency). This missense change has been observed in individuals with Fabry disease (PMID: 8395937, 23935525, 30477121). ClinVar contains an entry for this variant (Variation ID: 245750). Invitae Evidence Modeling of protein sequence and biophysical properties (such as structural, functional, and spatial information, amino acid conservation, physicochemical variation, residue mobility, and thermodynamic stability) indicates that this missense variant is not expected to disrupt GLA protein function with a negative predictive value of 80%. Experimental studies have shown that this missense change affects GLA function (PMID: 23935525). Algorithms developed to predict the effect of sequence changes on RNA splicing suggest that this variant may disrupt the consensus splice site. This variant disrupts the p.Gly361 amino acid residue in GLA. Other variant(s) that disrupt this residue have been observed in individuals with GLA-related conditions (PMID: 8395937, 20022777, 30988410), which suggests that this may be a clinically significant amino acid residue. For these reasons, this variant has been classified as Pathogenic.

CeGaT Center for Human Genetics Tuebingen
Classification: Pathogenic. Last evaluated: 2024-10-01. Review status: criteria provided, single submitter. Criteria: CeGaT Center For Human Genetics Tuebingen Variant Classification Criteria Version 2. Collection method: clinical testing. Allele origin: germline. Affected: yes. Observed: 1 variant allele.
Comment: GLA: PS1, PM1, PM2, PM5, PS3:Supporting, PS4:Supporting

GeneDx
Classification: Pathogenic. Last evaluated: 2015-04-23. Review status: criteria provided, single submitter. Criteria: GeneDx Variant Classification (06012015). Collection method: clinical testing. Allele origin: germline. Affected: yes.
Comment: The R361R missense mutation in the GLA gene has been reported previously in association with Fabry disease in patients with a classic Fabry phenotype and absent alpha-galactosidase A enzyme activity (Ashley et al., 2001; Davies et al., 1993). Approximately 60-70% of females with a single GLA variant have some disease manifestations, and 10% of these individuals present with a disease severity that is similar to that of affected males (Bennett et al., 2002).

Literature cited by the submitters: PubMed 8395937 (cited by Genomenon, Inc and Labcorp Genetics (formerly Invitae), Labcorp); PubMed 11322659 (cited by Genomenon, Inc); PubMed 27657681 (cited by Genomenon, Inc); PubMed 23935525 (cited by Labcorp Genetics (formerly Invitae), Labcorp); PubMed 30477121 (cited by Labcorp Genetics (formerly Invitae), Labcorp); PubMed 20022777 (cited by Labcorp Genetics (formerly Invitae), Labcorp); PubMed 30988410 (cited by Labcorp Genetics (formerly Invitae), Labcorp).

NM_000169.3(GLA):c.1081G>A (p.Gly361Arg)

Genes: GLA (galactosidase alpha; minus strand), RPL36A-HNRNPH2 (RPL36A-HNRNPH2 readthrough; plus strand). Cytogenetic location: Xq22.1.
Variant type: single nucleotide variant.
Coding change: c.1081G>A on transcript NM_000169.3 (MANE Select); coding-DNA position 1081, G replaced by A.
Protein change: p.Gly361Arg; replaces glycine 361 with arginine.
Molecular consequence: missense variant. On other transcripts: non-coding transcript variant (3), intron variant (2).
Genome position (GRCh38, 1-based): chrX:101,398,018, C>T on the plus strand (G>A on the coding strand, the complement: GLA is on the minus strand). VCF-style: chrX-101398018-C-T. GRCh37 (hg19) VCF-style: chrX-100653006-C-T.
Other names: c.1204G>A, p.Gly402Arg (NM_001406747.1); c.300+2561C>T (NM_001199973.2); c.177+6196C>T (NM_001199974.2); short protein forms G361R, G402R.
Identifiers: ClinVar variation 245750 (VCV000245750.19), dbSNP rs28935494, ClinGen allele CA10584626.